The following is an entry in ClinVar:

NM_000088.4(COL1A1):c.*243_*244del

Gene: COL1A1 (collagen type I alpha 1 chain; minus strand). Cytogenetic location: 17q21.33.
Variant type: Deletion.
Coding change: c.*243_*244del on transcript NM_000088.4 (MANE Select); 243 bases downstream of the stop codon through 244 bases downstream of the stop codon, 2 bases deleted (AA; older notation c.*243_*244delAA).
Molecular consequence: 3 prime UTR variant.
Genome position (GRCh38, 1-based): chr17:50,185,258-50,185,259, TT deleted on the plus strand (AA on the coding strand, the reverse complement: COL1A1 is on the minus strand); deleting any 2 consecutive bases within chr17:50,185,258-50,185,276 gives the same sequence; the c. name uses the placement nearest the transcript's 3' end. VCF-style (leftmost placement, unchanged base first): chr17-50185257-CTT-C. GRCh37 (hg19) VCF-style: chr17-48262618-CTT-C.
Other names: c.*243_*244delAA (NM_000088.3).
Identifiers: ClinVar variation 3035193 (VCV003035193.2), dbSNP rs56302025, ClinGen allele CA984450536.
Genomic context (GRCh38, chr17:50,185,257, plus strand): 5'-CCGCATGGGTCTTCAAGCAAGTGGACCAAGCTTCCTTTTTTAAAAAGTTATTTATTTATT[CTT>C]TTTTTTTTTTTTTTTTTGGTAAGGTTGAATGCACTTTTGGTTTTTGGTCATGTTCGGTTG-3'

ClinVar aggregate classification (germline): Likely benign (0 of 4 stars; one submission).

Conditions:
COL1A1-related disorder. Also called: COL1A1- related disease; COL1A1-related condition.

Submission:

PreventionGenetics, part of Exact Sciences
Classification: Likely benign for COL1A1-related condition. Last evaluated: 2021-11-03. Review status: no assertion criteria provided. Collection method: clinical testing. Allele origin: germline.
Comment: This variant is classified as likely benign based on ACMG/AMP sequence variant interpretation guidelines (Richards et al. 2015 PMID: 25741868, with internal and published modifications).